The following is an entry in ClinVar:

NM_001148.6(ANK2):c.1696C>T (p.Pro566Ser)

Gene: ANK2 (ankyrin 2; plus strand). Cytogenetic location: 4q26.
Variant type: single nucleotide variant.
Coding change: c.1696C>T on transcript NM_001148.6 (MANE Select); coding-DNA position 1696, C replaced by T.
Protein change: p.Pro566Ser; replaces proline 566 with serine.
Molecular consequence: missense variant.
Genome position (GRCh38, 1-based): chr4:113,277,849, C>T. VCF-style: chr4-113277849-C-T. GRCh37 (hg19) VCF-style: chr4-114199005-C-T.
Other names: c.1633C>T, p.Pro545Ser (NM_001127493.3, NM_001354239.2, NM_001354243.2 and 14 more transcripts); c.1696C>T, p.Pro566Ser (NM_001354225.2, NM_001354228.2, NM_001354232.2 and 8 more transcripts); c.1741C>T, p.Pro581Ser (NM_001354230.2, NM_001354231.2, NM_001354237.2 and 5 more transcripts); c.1609C>T, p.Pro537Ser (NM_001354249.2, NM_001354260.2, NM_001354264.2 and 13 more transcripts); c.1654C>T, p.Pro552Ser (NM_001354261.2, NM_001386147.1, NM_001386160.1); c.1486C>T, p.Pro496Ser (NM_001354269.3); c.1498C>T, p.Pro500Ser (NM_001354273.2); c.1411C>T, p.Pro471Ser (NM_001354277.2, NM_001386157.1, NM_001386158.1); and 4 more; short protein forms P471S, P496S, P500S, P537S, P545S, P552S, P554S, P562S.
Identifiers: ClinVar variation 1051844 (VCV001051844.7), dbSNP rs2060790981, ClinGen allele CA357910628.
Genomic context (GRCh38, chr4:113,277,849, plus strand): 5'-GAGTTACAACAATAAATACGATTTTACTTTTGTTTCTCACATTTTCAGAAGGGTTTTACT[C>T]CCCTGCATGTAGCAGCCAAGTATGGAAGCCTGGATGTGGCAAAACTTCTCTTGCAACGCC-3'
Protein context (NP_001139.3, residues 556-576): HSLATKKGFT[Pro566Ser]LHVAAKYGSL

ClinVar aggregate classification (germline): Uncertain significance. Review status: criteria provided, multiple submitters, no conflicts (2 of 4 stars). 2 submissions from 2 submitters: Uncertain significance (2). Last evaluated 2025-01-13.

Conditions:
Cardiovascular phenotype. Identifiers: MedGen CN230736.
Long QT syndrome (LQTS). Identifiers: MedGen C0023976, MeSH D008133, MONDO:0002442. Disease mechanism: loss of function. Inheritance: Various modes of inheritance.

Allele frequency attached by ClinVar (database versions not stated): gnomAD 0.00001.
gnomAD v4.1: 4 of 1,613,120 alleles (0.00025%); highest among the groups gnomAD compares: African/African-American, 0.0027%; no homozygotes.

Submissions (2):

Labcorp Genetics (formerly Invitae), Labcorp
Classification: Uncertain significance for Long QT syndrome. Last evaluated: 2025-01-13. Review status: criteria provided, single submitter. Criteria: Invitae Variant Classification Sherloc (09022015). Collection method: clinical testing. Allele origin: germline.
Comment: This sequence change replaces proline, which is neutral and non-polar, with serine, which is neutral and polar, at codon 566 of the ANK2 protein (p.Pro566Ser). This variant is not present in population databases (gnomAD no frequency). This variant has not been reported in the literature in individuals affected with ANK2-related conditions. ClinVar contains an entry for this variant (Variation ID: 1051844). Invitae Evidence Modeling of protein sequence and biophysical properties (such as structural, functional, and spatial information, amino acid conservation, physicochemical variation, residue mobility, and thermodynamic stability) has been performed for this missense variant. However, the output from this modeling did not meet the statistical confidence thresholds required to predict the impact of this variant on ANK2 protein function. In summary, the available evidence is currently insufficient to determine the role of this variant in disease. Therefore, it has been classified as a Variant of Uncertain Significance.

Ambry Genetics
Classification: Uncertain significance for Cardiovascular phenotype. Last evaluated: 2023-10-19. Review status: criteria provided, single submitter. Criteria: Ambry Variant Classification Scheme 2023. Collection method: clinical testing. Allele origin: germline.
Comment: The p.P566S variant (also known as c.1696C>T), located in coding exon 16 of the ANK2 gene, results from a C to T substitution at nucleotide position 1696. The proline at codon 566 is replaced by serine, an amino acid with similar properties. This amino acid position is highly conserved in available vertebrate species. In addition, this alteration is predicted to be deleterious by in silico analysis. Since supporting evidence is limited at this time, the clinical significance of this alteration remains unclear.